The following is an entry in ClinVar:

NM_018943.3(TUBA8):c.778G>C (p.Val260Leu)

Gene: TUBA8 (tubulin alpha 8; plus strand). Cytogenetic location: 22q11.21.
Variant type: single nucleotide variant.
Coding change: c.778G>C on transcript NM_018943.3 (MANE Select); coding-DNA position 778, G replaced by C.
Protein change: p.Val260Leu; replaces valine 260 with leucine.
Molecular consequence: missense variant.
Genome position (GRCh38, 1-based): chr22:18,126,756, G>C. VCF-style: chr22-18126756-G-C. GRCh37 (hg19) VCF-style: chr22-18609523-G-C.
Other names: c.580G>C, p.Val194Leu (NM_001193414.2); short protein forms V194L, V260L.
Identifiers: ClinVar variation 4749040 (VCV004749040.1).

ClinVar aggregate classification (germline): Uncertain significance (1 of 4 stars; one submission).

Submission:

Labcorp Genetics (formerly Invitae), Labcorp
Classification: Uncertain significance. Last evaluated: 2025-04-02. Review status: criteria provided, single submitter. Criteria: Invitae Variant Classification Sherloc (09022015). Collection method: clinical testing. Allele origin: germline.
Comment: This sequence change replaces valine, which is neutral and non-polar, with leucine, which is neutral and non-polar, at codon 260 of the TUBA8 protein (p.Val260Leu). This variant is present in population databases (rs781037898, gnomAD 0.1%), and has an allele count higher than expected for a pathogenic variant. This variant has not been reported in the literature in individuals affected with TUBA8-related conditions. Invitae Evidence Modeling of protein sequence and biophysical properties (such as structural, functional, and spatial information, amino acid conservation, physicochemical variation, residue mobility, and thermodynamic stability) indicates that this missense variant is expected to disrupt TUBA8 protein function with a positive predictive value of 80%. In summary, the available evidence is currently insufficient to determine the role of this variant in disease. Therefore, it has been classified as a Variant of Uncertain Significance.